The following is an entry in ClinVar:

ClinVar aggregate classification (germline): Uncertain significance. Review status: criteria provided, multiple submitters, no conflicts (2 of 4 stars). 3 submissions from 3 submitters: Uncertain significance (2). 1 of the submissions does not count toward it. Last evaluated 2021-09-28.

Conditions:
Ehlers-Danlos syndrome, dermatosparaxis type. Also called: Dermatosparaxis; Ehlers-Danlos syndrome, type VII, autosomal recessive; EDS VIIC. Identifiers: Orphanet 1901, MedGen C2700425, MONDO:0009161, OMIM 225410.

Allele frequency attached by ClinVar (database versions not stated): TOPMed below 0.00001; gnomAD 0.00001; gnomAD exomes 0.00001.
gnomAD v4.1: 17 of 1,597,402 alleles (0.0011%); highest among the groups gnomAD compares: Admixed American, 0.0086%; no homozygotes.

Submissions (3):

GeneDx
Classification: Uncertain significance. Last evaluated: 2021-09-28. Review status: criteria provided, single submitter. Criteria: GeneDx Variant Classification Process June 2021. Collection method: clinical testing. Allele origin: germline. Affected: yes.
Comment: Has not been previously published as pathogenic or benign to our knowledge; Not observed at a significant frequency in large population cohorts (Lek et al., 2016); In silico analysis supports that this missense variant does not alter protein structure/function

Labcorp Genetics (formerly Invitae), Labcorp
Classification: Uncertain significance for Ehlers-Danlos syndrome, dermatosparaxis type. Last evaluated: 2021-08-27. Review status: criteria provided, single submitter. Criteria: Invitae Variant Classification Sherloc (09022015). Collection method: clinical testing. Allele origin: germline.
Comment: This sequence change replaces aspartic acid with asparagine at codon 1051 of the ADAMTS2 protein (p.Asp1051Asn). The aspartic acid residue is highly conserved and there is a small physicochemical difference between aspartic acid and asparagine. This variant is not present in population databases (ExAC no frequency). This variant has not been reported in the literature in individuals affected with ADAMTS2-related conditions. Algorithms developed to predict the effect of missense changes on protein structure and function output the following: SIFT: "Tolerated"; PolyPhen-2: "Benign"; Align-GVGD: "Class C0". The asparagine amino acid residue is found in multiple mammalian species, which suggests that this missense change does not adversely affect protein function. In summary, the available evidence is currently insufficient to determine the role of this variant in disease. Therefore, it has been classified as a Variant of Uncertain Significance.

Natera, Inc.
Classification: Uncertain significance for Ehlers-Danlos syndrome type VIIC. Last evaluated: 2020-12-28. Review status: no assertion criteria provided. Collection method: clinical testing. Allele origin: germline. Not counted in ClinVar's aggregate classification.

NM_014244.5(ADAMTS2):c.3151G>A (p.Asp1051Asn)

Gene: ADAMTS2 (ADAM metallopeptidase with thrombospondin type 1 motif 2; minus strand). Cytogenetic location: 5q35.3.
Variant type: single nucleotide variant.
Coding change: c.3151G>A on transcript NM_014244.5 (MANE Select); coding-DNA position 3151, G replaced by A.
Protein change: p.Asp1051Asn; replaces aspartic acid 1051 with asparagine.
Molecular consequence: missense variant.
Genome position (GRCh38, 1-based): chr5:179,121,688, C>T on the plus strand (G>A on the coding strand, the complement: ADAMTS2 is on the minus strand). VCF-style: chr5-179121688-C-T. GRCh37 (hg19) VCF-style: chr5-178548689-C-T.
Other names: short protein forms D1051N.
Identifiers: ClinVar variation 1212253 (VCV001212253.12), dbSNP rs1252240288, ClinGen allele CA362416967.